The following is an entry in ClinVar:

ClinVar aggregate classification (germline): Uncertain significance (1 of 4 stars; one submission).

Conditions:
Phelan-McDermid syndrome. Also called: TELOMERIC 22q13 MONOSOMY SYNDROME; 22q13.3 deletion syndrome; Phelan-McDermid Syndrome-SHANK3 Related. Identifiers: Orphanet 48652, MedGen C1853490, MONDO:0011652, OMIM 606232.

Submission:

Baylor Genetics
Classification: Uncertain significance for Phelan-McDermid syndrome. Last evaluated: 2020-02-12. Review status: criteria provided, single submitter. Criteria: ACMG Guidelines, 2015. Collection method: clinical testing. Allele origin: unknown. Affected: yes.
Comment: This variant was determined to be of uncertain significance according to ACMG Guidelines, 2015 [PMID:25741868].

NM_001372044.2(SHANK3):c.415G>A (p.Ala139Thr)

Gene: SHANK3 (SH3 and multiple ankyrin repeat domains 3; plus strand). Cytogenetic location: 22q13.33.
Variant type: single nucleotide variant.
Coding change: c.415G>A on transcript NM_001372044.2 (MANE Select); coding-DNA position 415, G replaced by A.
Protein change: p.Ala139Thr; replaces alanine 139 with threonine.
Molecular consequence: missense variant.
Genome position (GRCh38, 1-based): chr22:50,675,174, G>A. VCF-style: chr22-50675174-G-A. GRCh37 (hg19) VCF-style: chr22-51113602-G-A.
Other names: c.190G>A (NM_033517.1); short protein forms A139T.
Identifiers: ClinVar variation 1029036 (VCV001029036.1), dbSNP rs2082909895, ClinGen allele CA515251355.